The following is an entry in ClinVar:

NM_005912.3(MC4R):c.633_636del (p.Tyr212fs)

Gene: MC4R (melanocortin 4 receptor; minus strand). Cytogenetic location: 18q21.32.
Variant type: Deletion.
Coding change: c.633_636del on transcript NM_005912.3 (MANE Select); coding-DNA positions 633 to 636, 4 bases deleted (CTAT; older notation c.633_636delCTAT).
Protein change: p.Tyr212fs; shifts the reading frame from tyrosine 212.
Molecular consequence: frameshift variant.
Genome position (GRCh38, 1-based): chr18:60,371,714-60,371,717, ATAG deleted on the plus strand (CTAT on the coding strand, the reverse complement: MC4R is on the minus strand); deleting any 4 consecutive bases within chr18:60,371,714-60,371,718 gives the same sequence; the c. name uses the placement nearest the transcript's 3' end. VCF-style (leftmost placement, unchanged base first): chr18-60371713-CATAG-C. GRCh37 (hg19) VCF-style: chr18-58038946-CATAG-C.
Other names: short protein forms Y212fs.
Identifiers: ClinVar variation 2584827 (VCV002584827.1), dbSNP rs778059370, ClinGen allele CA8980877.

ClinVar aggregate classification (germline): Uncertain significance (1 of 4 stars; one submission).

Conditions:
BODY MASS INDEX QUANTITATIVE TRAIT LOCUS 20 (BMIQ20). Also called: MELANOCORTIN 4 RECEPTOR DEFICIENCY; MC4R DEFICIENCY. Identifiers: MedGen C4759928, OMIM 618406.

Submission:

Neuberg Centre For Genomic Medicine, NCGM
Classification: Uncertain significance for BODY MASS INDEX QUANTITATIVE TRAIT LOCUS 20. Review status: criteria provided, single submitter. Criteria: ACMG Guidelines, 2015. Collection method: clinical testing. Allele origin: germline. Inheritance: Autosomal recessive inheritance. Affected: yes.
Comment: The c.633_636del (p.Tyr212SerfsTer5) frameshift variant in MC4R gene has not been reported previously as a pathogenic variant nor as a benign variant, to our knowledge. This variant is reported with the allele frequency (0.0003%) in the gnomAD and novel in 1000 genome database. This variant causes a frameshift starting with codon Tyrosine 212, changes this amino acid to Serine residue, and creates a premature Stop codon at position 5 of the new reading frame, denoted p.Tyr212SerfsTer5. Loss of function variants have been previously reported to be disease causing. However since MC4R gene has only one exon, functional studies will be required to prove protein truncation. Hence the variant is classified as Variant of Uncertain Significance (VUS).